The following is an entry in ClinVar:

ClinVar aggregate classification (germline): Uncertain significance (1 of 4 stars; one submission).

Conditions:
Fanconi anemia (FA). Also called: Fanconi's anemia. Identifiers: Orphanet 84, MedGen C0015625, MeSH D005199, MONDO:0019391.

gnomAD v4.1: 1 of 1,613,840 alleles (0.000062%); highest among the groups gnomAD compares: Non-Finnish European, 0.000085%; no homozygotes.

Submission:

Labcorp Genetics (formerly Invitae), Labcorp
Classification: Uncertain significance for Fanconi anemia. Last evaluated: 2024-02-25. Review status: criteria provided, single submitter. Criteria: Invitae Variant Classification Sherloc (09022015). Collection method: clinical testing. Allele origin: germline.
Comment: This sequence change replaces glutamic acid, which is acidic and polar, with glutamine, which is neutral and polar, at codon 1018 of the FANCM protein (p.Glu1018Gln). This variant is not present in population databases (gnomAD no frequency). This variant has not been reported in the literature in individuals affected with FANCM-related conditions. Algorithms developed to predict the effect of missense changes on protein structure and function output the following: SIFT: "Not Available"; PolyPhen-2: "Benign"; Align-GVGD: "Not Available". The glutamine amino acid residue is found in multiple mammalian species, which suggests that this missense change does not adversely affect protein function. In summary, the available evidence is currently insufficient to determine the role of this variant in disease. Therefore, it has been classified as a Variant of Uncertain Significance.

NM_020937.4(FANCM):c.3052G>C (p.Glu1018Gln)

Gene: FANCM (FA complementation group M; plus strand). Cytogenetic location: 14q21.2.
Variant type: single nucleotide variant.
Coding change: c.3052G>C on transcript NM_020937.4 (MANE Select); coding-DNA position 3052, G replaced by C.
Protein change: p.Glu1018Gln; replaces glutamic acid 1018 with glutamine.
Molecular consequence: missense variant.
Genome position (GRCh38, 1-based): chr14:45,175,806, G>C. VCF-style: chr14-45175806-G-C. GRCh37 (hg19) VCF-style: chr14-45645009-G-C.
Other names: c.2974G>C, p.Glu992Gln (NM_001308133.2); short protein forms E1018Q, E992Q.
Identifiers: ClinVar variation 3643164 (VCV003643164.2).